The following is an entry in ClinVar:

ClinVar aggregate classification (germline): Uncertain significance (1 of 4 stars; one submission).

Conditions:
Cardiomyopathy (CMYO). Also called: Cardiomyopathies. Identifiers: Orphanet 167848, MedGen C0878544, MONDO:0004994, HP:0001638. Inheritance: Various modes of inheritance.

Submission:

All of Us Research Program, National Institutes of Health
Classification: Uncertain significance for Cardiomyopathy. Last evaluated: 2024-09-23. Review status: criteria provided, single submitter. Criteria: ACMG Guidelines, 2015. Collection method: clinical testing. Allele origin: germline. Inheritance: Autosomal dominant inheritance. Observed: 1 variant allele, 1 heterozygote.
Comment: This study involves interpretation of variants in research participants for the purpose of population health screening. Participant phenotype was not available at the time of variant classification. Additional details can be found in publication PMID: 35346344, PMCID: PMC8962531

NM_000257.4(MYH7):c.4150G>A (p.Glu1384Lys)

Gene: MYH7 (myosin heavy chain 7; minus strand). Cytogenetic location: 14q11.2.
Variant type: single nucleotide variant.
Coding change: c.4150G>A on transcript NM_000257.4 (MANE Select); coding-DNA position 4150, G replaced by A.
Protein change: p.Glu1384Lys; replaces glutamic acid 1384 with lysine.
Molecular consequence: missense variant.
Genome position (GRCh38, 1-based): chr14:23,418,229, C>T on the plus strand (G>A on the coding strand, the complement: MYH7 is on the minus strand). VCF-style: chr14-23418229-C-T. GRCh37 (hg19) VCF-style: chr14-23887438-C-T.
Other names: c.4150G>A, p.Glu1384Lys (NM_001407004.1); short protein forms E1384K.
Identifiers: ClinVar variation 3387303 (VCV003387303.1).